The following is an entry in ClinVar:

ClinVar aggregate classification (germline): Benign. Review status: criteria provided, multiple submitters, no conflicts (2 of 4 stars). 2 submissions from 2 submitters: Benign (2). Last evaluated 2018-01-12.

Conditions:
Sclerosteosis 1 (SOST1). Also called: CORTICAL HYPEROSTOSIS WITH SYNDACTYLY. Identifiers: Orphanet 3152, MedGen C4551483, MONDO:0010016, OMIM 269500.

Allele frequency attached by ClinVar (database versions not stated): gnomAD 0.08628 and 0.09237; 1000 Genomes Project 0.08986; 1000 Genomes Project 30x 0.09182; TOPMed 0.09835.

Submissions (2):

Illumina Laboratory Services, Illumina
Classification: Benign for Sclerosteosis 1. Last evaluated: 2018-01-12. Review status: criteria provided, single submitter. Criteria: ICSL Variant Classification Criteria 13 December 2019. Collection method: clinical testing. Allele origin: germline.
Comment: This variant was observed in the ICSL laboratory as part of a predisposition screen in an ostensibly healthy population. It had not been previously curated by ICSL or reported in the Human Gene Mutation Database (HGMD: prior to June 1st, 2018), and was therefore a candidate for classification through an automated scoring system. Utilizing variant allele frequency, disease prevalence and penetrance estimates, and inheritance mode, an automated score was calculated to assess if this variant is too frequent to cause the disease. Based on the score and internal cut-off values, a variant classified as benign is not then subjected to further curation. The score for this variant resulted in a classification of benign for this disease.

Breakthrough Genomics
Classification: Benign. Review status: criteria provided, single submitter. Criteria: ACMG Guidelines, 2015. Collection method: not provided. Allele origin: germline. Inheritance: Autosomal recessive inheritance. Affected: yes.

NM_025237.3(SOST):c.*1394C>G

Gene: SOST (sclerostin; minus strand). Cytogenetic location: 17q21.31.
Variant type: single nucleotide variant.
Coding change: c.*1394C>G on transcript NM_025237.3 (MANE Select); 1394 bases downstream of the stop codon, C replaced by G.
Molecular consequence: 3 prime UTR variant.
Genome position (GRCh38, 1-based): chr17:43,753,948, G>C on the plus strand (C>G on the coding strand, the complement: SOST is on the minus strand). VCF-style: chr17-43753948-G-C. GRCh37 (hg19) VCF-style: chr17-41831316-G-C.
Identifiers: ClinVar variation 323428 (VCV000323428.6), dbSNP rs75335214, ClinGen allele CA10645756.